The following is an entry in ClinVar:

ClinVar aggregate classification (germline): Uncertain significance (1 of 4 stars; one submission).

Submission:

Labcorp Genetics (formerly Invitae), Labcorp
Classification: Uncertain significance. Last evaluated: 2023-11-20. Review status: criteria provided, single submitter. Criteria: Invitae Variant Classification Sherloc (09022015). Collection method: clinical testing. Allele origin: germline.
Comment: This sequence change replaces proline, which is neutral and non-polar, with leucine, which is neutral and non-polar, at codon 1457 of the COL4A6 protein (p.Pro1457Leu). This variant is not present in population databases (gnomAD no frequency). This variant has not been reported in the literature in individuals affected with COL4A6-related conditions. Advanced modeling of protein sequence and biophysical properties (such as structural, functional, and spatial information, amino acid conservation, physicochemical variation, residue mobility, and thermodynamic stability) performed at Invitae indicates that this missense variant is not expected to disrupt COL4A6 protein function with a negative predictive value of 80%. In summary, the available evidence is currently insufficient to determine the role of this variant in disease. Therefore, it has been classified as a Variant of Uncertain Significance.

NM_033641.4(COL4A6):c.4367C>T (p.Pro1456Leu)

Gene: COL4A6 (collagen type IV alpha 6 chain; minus strand). Cytogenetic location: Xq22.3.
Variant type: single nucleotide variant.
Coding change: c.4367C>T on transcript NM_033641.4 (MANE Select); coding-DNA position 4367, C replaced by T.
Protein change: p.Pro1456Leu; replaces proline 1456 with leucine.
Molecular consequence: missense variant.
Genome position (GRCh38, 1-based): chrX:108,160,621, G>A on the plus strand (C>T on the coding strand, the complement: COL4A6 is on the minus strand). VCF-style: chrX-108160621-G-A. GRCh37 (hg19) VCF-style: chrX-107403851-G-A.
Other names: c.4418C>T, p.Pro1473Leu (NM_001287758.2); c.4295C>T, p.Pro1432Leu (NM_001287759.2); c.4196C>T, p.Pro1399Leu (NM_001287760.2); c.4370C>T, p.Pro1457Leu (NM_001847.4); short protein forms P1399L, P1457L, P1432L, P1456L, P1473L.
Identifiers: ClinVar variation 2695255 (VCV002695255.3), dbSNP rs2521671943, ClinGen allele CA413850742.
Genomic context (GRCh38, chrX:108,160,621, plus strand): 5'-TCCGACTGGCTGTGCTTTACCAACGTGTAGCCCACTCTCATGCTCTGGCCAGGCATTCCA[G>A]GCATCCCGAAGGGGCCTTGCTGCCCTGGAGCTCCTGAGAGAGACAGATCATAAAAGGTGA-3'
Protein context (NP_378667.1, residues 1446-1466): APGQQGPFGM[Pro1456Leu]GMPGQSMRVG